The following is an entry in ClinVar:

NM_000642.3(AGL):c.4221dup (p.Leu1408fs)

Gene: AGL (amylo-alpha-1,6-glucosidase and 4-alpha-glucanotransferase; plus strand). Cytogenetic location: 1p21.2.
Variant type: Duplication.
Coding change: c.4221dup on transcript NM_000642.3 (MANE Select); coding-DNA position 4221, one base duplicated (A; older notation c.4221dupA).
Protein change: p.Leu1408fs; shifts the reading frame from leucine 1408.
Molecular consequence: frameshift variant.
Genome position (GRCh38, 1-based): chr1:99,915,448, A duplicated; the last of 8 consecutive A bases (chr1:99,915,441-99,915,448); duplicating any one gives the same sequence. VCF-style (leftmost placement, unchanged base first): chr1-99915440-G-GA. GRCh37 (hg19) VCF-style: chr1-100380996-G-GA.
Other names: c.4221dup, p.Leu1408Ilefs (NM_000028.3, NM_000643.3, NM_000644.3 and 1 more transcripts); c.4173dup, p.Leu1392Ilefs (NM_000646.3); c.4200dup, p.Leu1401Ilefs (NM_001425326.1); c.4020dup, p.Leu1341Ilefs (NM_001425327.1); c.4017dup, p.Leu1340Ilefs (NM_001425328.1); c.3882dup, p.Leu1295Ilefs (NM_001425329.1); c.3843dup, p.Leu1282Ilefs (NM_001425332.1); c.4221dup (NM_000642.2); short protein forms L1392fs, L1408fs.
Identifiers: ClinVar variation 189052 (VCV000189052.26), dbSNP rs786204655, ClinGen allele CA274323.

ClinVar aggregate classification (germline): Pathogenic/Likely pathogenic. Review status: criteria provided, multiple submitters, no conflicts (2 of 4 stars). 8 submissions from 8 submitters: Pathogenic (6); Likely pathogenic (1). 1 of the submissions does not count toward it. Last evaluated 2025-08-04.

Conditions:
Glycogen storage disease type III (GSD3). Also called: FORBES DISEASE; Cori disease. Identifiers: Orphanet 366, MedGen C0017922, MONDO:0009291, OMIM 232400.

Submissions (8):

Natera, Inc.
Classification: Pathogenic for Glycogen storage disease type III. Last evaluated: 2025-08-04. Review status: criteria provided, single submitter. Criteria: Natera Variant Classification Schema (03/2026). Collection method: clinical testing. Allele origin: germline.
Comment: The c.4221dupA variant in AGL is a frameshift variant predicted to shift the reading frame beginning at codon 1408 and leads to a stop codon 14 codons downstream. This variant is expected to result in nonsense mediated decay, truncation, or a dysfunctional protein product. This variant is rare in the general population with a frequency below the threshold expected for the associated phenotype(s). This variant has been observed in one or more individuals affected with the associated recessive disease, as either homozygous or compound heterozygous with a second variant (PMID: 9584265). Given the available evidence, this variant is classified as Pathogenic.

Labcorp Genetics (formerly Invitae), Labcorp
Classification: Pathogenic for Glycogen storage disease type III. Last evaluated: 2025-01-20. Review status: criteria provided, single submitter. Criteria: Invitae Variant Classification Sherloc (09022015). Collection method: clinical testing. Allele origin: germline.
Comment: This sequence change creates a premature translational stop signal (p.Leu1408Ilefs*14) in the AGL gene. It is expected to result in an absent or disrupted protein product. Loss-of-function variants in AGL are known to be pathogenic (PMID: 19299494). The frequency data for this variant in the population databases is considered unreliable, as metrics indicate poor data quality at this position in the gnomAD database. This premature translational stop signal has been observed in individual(s) with glycogen storage disease (PMID: 9584265). ClinVar contains an entry for this variant (Variation ID: 189052). For these reasons, this variant has been classified as Pathogenic.

Baylor Genetics
Classification: Pathogenic for Glycogen storage disease type III. Last evaluated: 2023-07-28. Review status: criteria provided, single submitter. Criteria: ACMG Guidelines, 2015. Collection method: clinical testing. Allele origin: unknown.

Fulgent Genetics
Classification: Likely pathogenic for Glycogen storage disease type III. Last evaluated: 2022-04-06. Review status: criteria provided, single submitter. Criteria: ACMG Guidelines, 2015. Collection method: clinical testing. Allele origin: unknown.

Genome-Nilou Lab
Classification: Pathogenic for Glycogen storage disease type III. Last evaluated: 2021-07-15. Review status: criteria provided, single submitter. Criteria: ACMG Guidelines, 2015. Collection method: clinical testing. Allele origin: germline. Affected: no.

Women's Health and Genetics/Laboratory Corporation of America, LabCorp
Classification: Pathogenic for Glycogen storage disease type III. Last evaluated: 2021-02-21. Review status: criteria provided, single submitter. Criteria: LabCorp Variant Classification Summary - May 2015. Collection method: clinical testing. Allele origin: germline.
Comment: Variant summary: AGL c.4221dupA (p.Leu1408IlefsX14) results in a premature termination codon, predicted to cause a truncation of the encoded protein or absence of the protein due to nonsense mediated decay, which are commonly known mechanisms for disease. Truncations downstream of this position have been classified as pathogenic by our laboratory. The variant allele was found at a frequency of 4e-06 in 251128 control chromosomes. c.4221dupA has been reported in the literature in at-least one individual affected with Glycogen Storage Disease Type III and subsequently cited by others (example, Pavari_1998, Fukuda_2000). At least one publication reports experimental evidence evaluating an impact on protein function. The most pronounced variant effect results in absence of normal leukocyte debrancher enzyme activity in a sample obtained from a patient who was compound heterozygous for this variant and another frameshifting mutation in the AGL gene (Pavari_1998). Two clinical diagnostic laboratories have submitted clinical-significance assessments for this variant to ClinVar after 2014 without evidence for independent evaluation. All laboratories classified the variant as pathogenic with one citing overlapping evidence utilized in the context of this evaluation. Based on the evidence outlined above, the variant was classified as pathogenic.

Genomic Research Center, Shahid Beheshti University of Medical Sciences
Classification: Pathogenic for Glycogen storage disease type III. Last evaluated: 2018-08-07. Review status: criteria provided, single submitter. Criteria: ACMG Guidelines, 2015. Collection method: clinical testing. Allele origin: inherited. Affected: yes. Observed: 1 variant allele.

Counsyl
Classification: Likely pathogenic for Glycogen storage disease type III. Last evaluated: 2014-11-07. Review status: no assertion criteria provided. Collection method: literature only. Allele origin: unknown. Inheritance: Autosomal recessive inheritance. Not counted in ClinVar's aggregate classification.

Literature cited by the submitters: PubMed 9584265 (cited by 4 submitters); PubMed 19299494 (cited by Labcorp Genetics (formerly Invitae), Labcorp).